The following is an entry in ClinVar:

ClinVar aggregate classification (germline): Benign. Review status: criteria provided, multiple submitters, no conflicts (2 of 4 stars). 3 submissions from 3 submitters: Benign (3). Last evaluated 2026-01-26.

Allele frequency attached by ClinVar (database versions not stated): gnomAD 0.05807 and 0.05598; gnomAD exomes 0.07171 and 0.07576; ExAC 0.07326; 1000 Genomes Project 30x 0.05200; 1000 Genomes Project 0.05232; ESP Exome Variant Server 0.05382; TOPMed 0.05638.
gnomAD v4.1: 114,214 of 1,613,934 alleles (7.1%); highest among the groups gnomAD compares: Middle Eastern, 16%; 4,574 homozygotes.

Submissions (3):

Labcorp Genetics (formerly Invitae), Labcorp
Classification: Benign. Last evaluated: 2026-01-26. Review status: criteria provided, single submitter. Criteria: Invitae Variant Classification Sherloc (09022015). Collection method: clinical testing. Allele origin: germline.

GeneDx
Classification: Benign. Last evaluated: 2018-04-12. Review status: criteria provided, single submitter. Criteria: GeneDx Variant Classification (06012015). Collection method: clinical testing. Allele origin: germline. Affected: yes.
Comment: This variant is considered likely benign or benign based on one or more of the following criteria: it is a conservative change, it occurs at a poorly conserved position in the protein, it is predicted to be benign by multiple in silico algorithms, and/or has population frequency not consistent with disease.

Breakthrough Genomics
Classification: Benign. Review status: criteria provided, single submitter. Criteria: ACMG Guidelines, 2015. Collection method: not provided. Allele origin: germline. Inheritance: Autosomal recessive inheritance. Affected: yes.

NM_015073.3(SIPA1L3):c.4348C>G (p.Pro1450Ala)

Gene: SIPA1L3 (signal induced proliferation associated 1 like 3; plus strand). Cytogenetic location: 19q13.13.
Variant type: single nucleotide variant.
Coding change: c.4348C>G on transcript NM_015073.3 (MANE Select); coding-DNA position 4348, C replaced by G.
Protein change: p.Pro1450Ala; replaces proline 1450 with alanine.
Molecular consequence: missense variant.
Genome position (GRCh38, 1-based): chr19:38,182,658, C>G. VCF-style: chr19-38182658-C-G. GRCh37 (hg19) VCF-style: chr19-38673298-C-G.
Other names: short protein forms P1450A.
Identifiers: ClinVar variation 677212 (VCV000677212.10), dbSNP rs3745945, ClinGen allele CA9410306.
Genomic context (GRCh38, chr19:38,182,658, plus strand): 5'-GCCCAGCCCAGCCCCTTTCAGCTCTCCGCCTCCGTCCCCAAGTCCTTCTTCTCCAAGCAG[C>G]CTGTACGCAATAAGCACCCAACAGGGTGGAAGAGAACGGAGGAGCCCCCACCACGGCCAC-3'
Protein context (NP_055888.1, residues 1440-1460): SVPKSFFSKQ[Pro1450Ala]VRNKHPTGWK